The following is an entry in ClinVar:

NC_000001.10:g.(?_94530866)_(94544327_?)del

Gene: ABCA4 (ATP binding cassette subfamily A member 4; minus strand). Cytogenetic location: 1p22.1.
Variant type: Deletion.
Identifiers: ClinVar variation 3247886 (VCV003247886.1).

ClinVar aggregate classification (germline): Pathogenic (1 of 4 stars; one submission).

Submission:

Labcorp Genetics (formerly Invitae), Labcorp
Classification: Pathogenic. Last evaluated: 2023-11-27. Review status: criteria provided, single submitter. Criteria: Invitae Variant Classification Sherloc (09022015). Collection method: clinical testing. Allele origin: unknown.
Comment: This variant results in a copy number gain of the genomic region encompassing exon(s) 10-11 of the ABCA4 gene. While the exact position of this variant cannot be determined from the data, sub-genic copy number gains are generally in tandem (PMID: 25640679). This variant is predicted to be in-frame, and likely preserves the integrity of the reading frame. A similar copy number variant has been observed in individual(s) with Stargardt disease (PMID: 30670881). In at least one individual the data is consistent with being in trans (on the opposite chromosome) from a pathogenic variant. This variant disrupts a region of the ABCA4 protein in which other variant(s) (p.Arg511Cys) have been determined to be pathogenic (PMID: 25312043, 25356976, 26780318, 30060493). This suggests that this is a clinically significant region of the protein, and that variants that disrupt it are likely to be disease-causing. For these reasons, this variant has been classified as Pathogenic.

Literature cited by the submitters: PubMed 25640679; PubMed 30670881; PubMed 25312043; PubMed 25356976; PubMed 26780318; PubMed 30060493.